The following is an entry in ClinVar:

NM_001085487.3(MYSM1):c.1316A>G (p.Asn439Ser)

Gene: MYSM1 (Myb like, SWIRM and MPN domains 1; minus strand). Cytogenetic location: 1p32.1.
Variant type: single nucleotide variant.
Coding change: c.1316A>G on transcript NM_001085487.3 (MANE Select); coding-DNA position 1316, A replaced by G.
Protein change: p.Asn439Ser; replaces asparagine 439 with serine.
Molecular consequence: missense variant.
Genome position (GRCh38, 1-based): chr1:58,677,000, T>C on the plus strand (A>G on the coding strand, the complement: MYSM1 is on the minus strand). VCF-style: chr1-58677000-T-C. GRCh37 (hg19) VCF-style: chr1-59142672-T-C.
Other names: short protein forms N439S.
Identifiers: ClinVar variation 1382032 (VCV001382032.8), dbSNP rs543376699, ClinGen allele CA877854.

ClinVar aggregate classification (germline): Uncertain significance (1 of 4 stars; one submission).

Allele frequency attached by ClinVar (database versions not stated): gnomAD exomes below 0.00001 and 0.00001; ExAC 0.00002; TOPMed 0.00004; gnomAD 0.00007 and 0.00008; 1000 Genomes Project 30x 0.00016; 1000 Genomes Project 0.00020.
gnomAD v4.1: 13 of 1,612,366 alleles (0.00081%); highest among the groups gnomAD compares: African/African-American, 0.017%; no homozygotes.

Submission:

Labcorp Genetics (formerly Invitae), Labcorp
Classification: Uncertain significance. Last evaluated: 2025-01-27. Review status: criteria provided, single submitter. Criteria: Invitae Variant Classification Sherloc (09022015). Collection method: clinical testing. Allele origin: germline.
Comment: This sequence change replaces asparagine, which is neutral and polar, with serine, which is neutral and polar, at codon 439 of the MYSM1 protein (p.Asn439Ser). This variant is present in population databases (rs543376699, gnomAD 0.03%). This variant has not been reported in the literature in individuals affected with MYSM1-related conditions. ClinVar contains an entry for this variant (Variation ID: 1382032). Invitae Evidence Modeling of protein sequence and biophysical properties (such as structural, functional, and spatial information, amino acid conservation, physicochemical variation, residue mobility, and thermodynamic stability) indicates that this missense variant is expected to disrupt MYSM1 protein function with a positive predictive value of 80%. In summary, the available evidence is currently insufficient to determine the role of this variant in disease. Therefore, it has been classified as a Variant of Uncertain Significance.